The following is an entry in ClinVar:

ClinVar aggregate classification (germline): Pathogenic (1 of 4 stars; one submission).

Conditions:
Cholestanol storage disease (CTX). Also called: Cerebrotendinous Xanthomatosis; CTX: Cerebrotendinous xanthomatosis; CEREBRAL CHOLESTERINOSIS. Identifiers: Orphanet 909, MedGen C0238052, MONDO:0008948, OMIM 213700.

Submission:

Natera, Inc.
Classification: Pathogenic for Cerebrotendinous xanthomatosis. Last evaluated: 2024-11-04. Review status: criteria provided, single submitter. Criteria: Natera Variant Classification Schema (03/2026). Collection method: clinical testing. Allele origin: germline.
Comment: The c.1_5del variant in CYP27A1 is predicted to result in start loss due to disruption of the initiator methionine. This variant is expected to result in nonsense mediated decay, truncation, or a dysfunctional protein product. This variant is rare in the general population with a frequency below the threshold expected for the associated phenotype(s). This variant has been observed in one or more individuals affected with the associated recessive disease, as either homozygous or compound heterozygous with a second variant (PMID: 32349000, 38772327). Given the available evidence, this variant is classified as Pathogenic.

Literature cited by the submitters: PubMed 32349000; PubMed 38772327.

NM_000784.4(CYP27A1):c.1_5del (p.Met1fs)

Gene: CYP27A1 (cytochrome P450 family 27 subfamily A member 1; plus strand). Cytogenetic location: 2q35.
Variant type: Deletion.
Coding change: c.1_5del on transcript NM_000784.4 (MANE Select); coding-DNA positions 1 to 5, 5 bases deleted (ATGGC; older notation c.1_5delATGGC).
Protein change: p.Met1fs; shifts the reading frame from methionine 1.
Molecular consequence: frameshift variant, initiator codon variant.
Genome position (GRCh38, 1-based): chr2:218,782,183-218,782,187, ATGGC deleted; deleting any 5 consecutive bases within chr2:218,782,182-218,782,187 gives the same sequence; the c. name uses the placement nearest the transcript's 3' end. VCF-style (leftmost placement, unchanged base first): chr2-218782181-CCATGG-C. GRCh37 (hg19) VCF-style: chr2-219646904-CCATGG-C.
Other names: short protein forms M1fs.
Identifiers: ClinVar variation 4814473 (VCV004814473.1).
Genomic context (GRCh38, chr2:218,782,181, plus strand): 5'-TGTCTGGGCGGGTCCGGGGACTCAGCACTCGACCCAAAGGTGCAGGCGCGCGAGCACAAC[CCATGG>C]CTGCGCTGGGCTGCGCGAGGCTGAGGTGGGCGCTGCGAGGGGCCGGCCGTGGCCTCTGCC-3'